The following is an entry in ClinVar:

ClinVar aggregate classification (germline): Uncertain significance (1 of 4 stars; one submission).

Conditions:
Hereditary breast ovarian cancer syndrome. Also called: Hereditary breast and ovarian cancer syndrome (HBOC); Hereditary breast and ovarian cancer; Breast and ovarian cancer; Hereditary breast and/or ovarian cancer syndrome; BRCA1- and BRCA2-Associated Hereditary Breast and Ovarian Cancer; Hereditary breast and ovarian cancer syndrome. Identifiers: Orphanet 145, MedGen C0677776, MeSH D061325, MONDO:0003582. Disease mechanism: loss of function.

gnomAD v4.1: 1 of 1,613,768 alleles (0.000062%); highest among the groups gnomAD compares: Non-Finnish European, 0.000085%; no homozygotes.

Submission:

Labcorp Genetics (formerly Invitae), Labcorp
Classification: Uncertain significance for Hereditary breast ovarian cancer syndrome. Last evaluated: 2025-09-22. Review status: criteria provided, single submitter. Criteria: Invitae Variant Classification Sherloc (09022015). Collection method: clinical testing. Allele origin: germline.
Comment: This sequence change replaces proline, which is neutral and non-polar, with leucine, which is neutral and non-polar, at codon 2036 of the BRCA2 protein (p.Pro2036Leu). This variant is not present in population databases (gnomAD no frequency). This variant has not been reported in the literature in individuals affected with BRCA2-related conditions. Invitae Evidence Modeling of protein sequence and biophysical properties (such as structural, functional, and spatial information, amino acid conservation, physicochemical variation, residue mobility, and thermodynamic stability) indicates that this missense variant is not expected to disrupt BRCA2 protein function with a negative predictive value of 95%. In summary, the available evidence is currently insufficient to determine the role of this variant in disease. Therefore, it has been classified as a Variant of Uncertain Significance.

NM_000059.4(BRCA2):c.6107C>T (p.Pro2036Leu)

Gene: BRCA2 (BRCA2 DNA repair associated; plus strand). Cytogenetic location: 13q13.1.
Variant type: single nucleotide variant.
Coding change: c.6107C>T on transcript NM_000059.4 (MANE Select); coding-DNA position 6107, C replaced by T.
Protein change: p.Pro2036Leu; replaces proline 2036 with leucine.
Molecular consequence: missense variant. On other transcripts: non-coding transcript variant (1), intron variant (2).
Genome position (GRCh38, 1-based): chr13:32,340,462, C>T. VCF-style: chr13-32340462-C-T. GRCh37 (hg19) VCF-style: chr13-32914599-C-T.
Other names: c.6107C>T, p.Pro2036Leu (NM_001406719.1, NM_001406720.1, NM_001432077.1); c.1910-4096C>T (NM_001406721.1); c.425-4096C>T (NM_001406722.1); short protein forms P2036L.
Identifiers: ClinVar variation 4802319 (VCV004802319.1).